The following is an entry in ClinVar:

ClinVar aggregate classification (germline): Uncertain significance. Review status: criteria provided, multiple submitters, no conflicts (2 of 4 stars). 4 submissions from 4 submitters: Uncertain significance (2). 2 of the submissions do not count toward it. Last evaluated 2026-01-19.

Conditions:
CEP290-related disorder. Also called: CEP290-related disorders; CEP290-related condition. Identifiers: MedGen CN239314.
Joubert syndrome. Also called: JOUBERT-BOLTSHAUSER SYNDROME; Familial aplasia of the vermis. Identifiers: Orphanet 475, MedGen C5979921, MONDO:0018772.
Meckel-Gruber syndrome. Also called: DYSENCEPHALIA SPLANCHNOCYSTICA; GRUBER SYNDROME; Dysencephalia splachnocystica. Identifiers: Orphanet 564, MedGen C0265215, MONDO:0018921.
Nephronophthisis. Also called: Juvenile Nephronophthisis. Identifiers: Orphanet 655, MedGen C0687120, MONDO:0019005, HP:0000090.
Leber congenital amaurosis (LCA). Also called: Leber's amaurosis. Identifiers: Orphanet 65, MedGen C0339527, MeSH D057130, MONDO:0018998.

Allele frequency attached by ClinVar (database versions not stated): ExAC 0.00002; gnomAD exomes 0.00002; TOPMed 0.00002; gnomAD 0.00006 and 0.00007.
gnomAD v4.1: 34 of 1,611,452 alleles (0.0021%); highest among the groups gnomAD compares: Admixed American, 0.0084%; no homozygotes.

Submissions (4):

Labcorp Genetics (formerly Invitae), Labcorp
Classification: Uncertain significance for Joubert syndrome; Meckel-Gruber syndrome; Nephronophthisis. Last evaluated: 2026-01-19. Review status: criteria provided, single submitter. Criteria: Invitae Variant Classification Sherloc (09022015). Collection method: clinical testing. Allele origin: germline.
Comment: This sequence change replaces arginine, which is basic and polar, with tryptophan, which is neutral and slightly polar, at codon 1471 of the CEP290 protein (p.Arg1471Trp). This variant is present in population databases (rs771110294, gnomAD 0.008%). This variant has not been reported in the literature in individuals affected with CEP290-related conditions. ClinVar contains an entry for this variant (Variation ID: 949124). Invitae Evidence Modeling of protein sequence and biophysical properties (such as structural, functional, and spatial information, amino acid conservation, physicochemical variation, residue mobility, and thermodynamic stability) indicates that this missense variant is not expected to disrupt CEP290 protein function with a negative predictive value of 80%. In summary, the available evidence is currently insufficient to determine the role of this variant in disease. Therefore, it has been classified as a Variant of Uncertain Significance.

Blueprint Genetics
Classification: Uncertain significance. Last evaluated: 2024-09-25. Review status: criteria provided, single submitter. Criteria: ACMG Guidelines, 2015. Collection method: clinical testing. Allele origin: germline.

PreventionGenetics, part of Exact Sciences
Classification: Uncertain significance for CEP290-related condition. Last evaluated: 2024-04-12. Review status: no assertion criteria provided. Collection method: clinical testing. Allele origin: germline. Not counted in ClinVar's aggregate classification.
Comment: The CEP290 c.4411C>T variant is predicted to result in the amino acid substitution p.Arg1471Trp. To our knowledge, this variant has not been reported in the literature in affected individuals. This variant is reported in 0.0083% of alleles in individuals of African descent in gnomAD. At this time, the clinical significance of this variant is uncertain due to the absence of conclusive functional and genetic evidence.

Natera, Inc.
Classification: Uncertain significance for Leber congenital amaurosis. Last evaluated: 2019-12-14. Review status: no assertion criteria provided. Collection method: clinical testing. Allele origin: germline. Not counted in ClinVar's aggregate classification.

NM_025114.4(CEP290):c.4411C>T (p.Arg1471Trp)

Gene: CEP290 (centrosomal protein 290; minus strand). Cytogenetic location: 12q21.32.
Variant type: single nucleotide variant.
Coding change: c.4411C>T on transcript NM_025114.4 (MANE Select); coding-DNA position 4411, C replaced by T.
Protein change: p.Arg1471Trp; replaces arginine 1471 with tryptophan.
Molecular consequence: missense variant.
Genome position (GRCh38, 1-based): chr12:88,086,065, G>A on the plus strand (C>T on the coding strand, the complement: CEP290 is on the minus strand). VCF-style: chr12-88086065-G-A. GRCh37 (hg19) VCF-style: chr12-88479842-G-A.
Other names: short protein forms R1471W.
Identifiers: ClinVar variation 949124 (VCV000949124.10), dbSNP rs771110294, ClinGen allele CA6711945.